The following is an entry in ClinVar:

NM_004415.4(DSP):c.1775G>T (p.Arg592Ile)

Gene: DSP (desmoplakin; plus strand). Cytogenetic location: 6p24.3.
Variant type: single nucleotide variant.
Coding change: c.1775G>T on transcript NM_004415.4 (MANE Select); coding-DNA position 1775, G replaced by T.
Protein change: p.Arg592Ile; replaces arginine 592 with isoleucine.
Molecular consequence: missense variant.
Genome position (GRCh38, 1-based): chr6:7,571,456, G>T. VCF-style: chr6-7571456-G-T. GRCh37 (hg19) VCF-style: chr6-7571689-G-T.
Other names: c.1775G>T, p.Arg592Ile (NM_001008844.3, NM_001319034.2); short protein forms R592I.
Identifiers: ClinVar variation 862025 (VCV000862025.17), dbSNP rs1759048949, ClinGen allele CA362679075.
Genomic context (GRCh38, chr6:7,571,456, plus strand): 5'-GGCAGGAAGATTACATGAAGACGATAGCCGACCTTGAGTTACATTACCAAGAGTTCATCA[G>T]AAATAGCCAAGGCTCAGAGATGTTTGGAGATGATGACAAGCGGAAAATACAGTCTCAGTT-3'
Protein context (NP_004406.2, residues 582-602): DLELHYQEFI[Arg592Ile]NSQGSEMFGD

ClinVar aggregate classification (germline): Uncertain significance. Review status: criteria provided, multiple submitters, no conflicts (2 of 4 stars). 6 submissions from 6 submitters: Uncertain significance (6). Last evaluated 2025-10-31.

Conditions:
Cardiomyopathy (CMYO). Also called: Cardiomyopathies. Identifiers: Orphanet 167848, MedGen C0878544, MONDO:0004994, HP:0001638. Inheritance: Various modes of inheritance.
Arrhythmogenic cardiomyopathy with wooly hair and keratoderma. Also called: Carvajal syndrome; PALMOPLANTAR KERATODERMA WITH LEFT VENTRICULAR CARDIOMYOPATHY AND WOOLLY HAIR; Dilated cardiomyopathy with woolly hair and keratoderma; Arrhythmogenic cardiomyopathy with woolly hair and keratoderma. Identifiers: Orphanet 65282, MedGen C1854063, MONDO:0011581, OMIM 605676.
Cardiovascular phenotype. Identifiers: MedGen CN230736.
Arrhythmogenic right ventricular dysplasia 8 (ARVD8). Also called: ARRHYTHMOGENIC RIGHT VENTRICULAR DYSPLASIA, FAMILIAL, 8; Arrhythmogenic Right Ventricular Dysplasia/Cardiomyopathy 8; ARRHYTHMOGENIC RIGHT VENTRICULAR CARDIOMYOPATHY 8. Identifiers: MedGen C1843896, MONDO:0011831, OMIM 607450.

Allele frequency attached by ClinVar (database versions not stated): gnomAD exomes below 0.00001.
gnomAD v4.1: 1 of 1,614,170 alleles (0.000062%); highest among the groups gnomAD compares: Non-Finnish European, 0.000085%; no homozygotes.

Submissions (6):

Ambry Genetics
Classification: Uncertain significance for Cardiovascular phenotype. Last evaluated: 2025-10-31. Review status: criteria provided, single submitter. Criteria: Ambry Variant Classification Scheme 2023. Collection method: clinical testing. Allele origin: germline.
Comment: The p.R592I variant (also known as c.1775G>T), located in coding exon 14 of the DSP gene, results from a G to T substitution at nucleotide position 1775. The arginine at codon 592 is replaced by isoleucine, an amino acid with similar properties. This amino acid position is well conserved in available vertebrate species. In addition, the in silico prediction for this alteration is inconclusive. Based on the available evidence, the clinical significance of this variant remains unclear.

Color Diagnostics, LLC DBA Color Health
Classification: Uncertain significance for Cardiomyopathy. Last evaluated: 2024-03-06. Review status: criteria provided, single submitter. Criteria: ACMG Guidelines, 2015. Collection method: clinical testing. Allele origin: germline.
Comment: This missense variant replaces arginine with isoleucine at codon 592 of the DSP protein. Computational prediction suggests that this variant may not impact protein structure and function (internally defined REVEL score threshold <= 0.5, PMID: 27666373). To our knowledge, functional studies have not been reported for this variant. This variant has not been reported in individuals affected with DSP-related disorders in the literature. This variant has not been identified in the general population by the Genome Aggregation Database (gnomAD). The available evidence is insufficient to determine the role of this variant in disease conclusively. Therefore, this variant is classified as a Variant of Uncertain Significance.

Labcorp Genetics (formerly Invitae), Labcorp
Classification: Uncertain significance for Arrhythmogenic cardiomyopathy with wooly hair and keratoderma; Arrhythmogenic right ventricular dysplasia 8. Last evaluated: 2024-01-02. Review status: criteria provided, single submitter. Criteria: Invitae Variant Classification Sherloc (09022015). Collection method: clinical testing. Allele origin: germline.
Comment: This sequence change replaces arginine, which is basic and polar, with isoleucine, which is neutral and non-polar, at codon 592 of the DSP protein (p.Arg592Ile). This variant is not present in population databases (gnomAD no frequency). This variant has not been reported in the literature in individuals affected with DSP-related conditions. ClinVar contains an entry for this variant (Variation ID: 862025). An algorithm developed to predict the effect of missense changes on protein structure and function (PolyPhen-2) suggests that this variant¬†is likely to be tolerated. In summary, the available evidence is currently insufficient to determine the role of this variant in disease. Therefore, it has been classified as a Variant of Uncertain Significance.

All of Us Research Program, National Institutes of Health
Classification: Uncertain significance for Arrhythmogenic cardiomyopathy with wooly hair and keratoderma. Last evaluated: 2023-05-16. Review status: criteria provided, single submitter. Criteria: ACMG Guidelines, 2015. Collection method: clinical testing. Allele origin: germline. Inheritance: Autosomal dominant inheritance. Observed: 3 variant alleles, 3 heterozygotes.
Comment: This missense variant replaces arginine with isoleucine at codon 592 of the DSP protein. Computational prediction suggests that this variant may not impact protein structure and function (internally defined REVEL score threshold <= 0.5, PMID: 27666373). To our knowledge, functional studies have not been reported for this variant. This variant has not been reported in individuals affected with DSP-related disorders in the literature. This variant has not been identified in the general population by the Genome Aggregation Database (gnomAD). The available evidence is insufficient to determine the role of this variant in disease conclusively. Therefore, this variant is classified as a Variant of Uncertain Significance.

This study involves interpretation of variants in research participants for the purpose of population health screening. Participant phenotype was not available at the time of variant classification. Additional details can be found in publication PMID: 35346344, PMCID: PMC8962531

GeneDx
Classification: Uncertain significance. Last evaluated: 2022-10-04. Review status: criteria provided, single submitter. Criteria: GeneDx Variant Classification Process June 2021. Collection method: clinical testing. Allele origin: germline. Affected: yes.
Comment: Has not been previously published as pathogenic or benign to our knowledge; Not observed at significant frequency in large population cohorts (gnomAD); In silico analysis supports that this missense variant has a deleterious effect on protein structure/function

Women's Health and Genetics/Laboratory Corporation of America, LabCorp
Classification: Uncertain significance. Last evaluated: 2020-10-26. Review status: criteria provided, single submitter. Criteria: LabCorp Variant Classification Summary - May 2015. Collection method: clinical testing. Allele origin: germline.
Comment: Variant summary: DSP c.1775G>T (p.Arg592Ile) results in a non-conservative amino acid change located in the spectrin-like domain (IPR041573) of the encoded protein sequence. Three of five in-silico tools predict a damaging effect of the variant on protein function. The variant was absent in 251294 control chromosomes (gnomAD). The available data on variant occurrences in the general population are insufficient to allow any conclusion about variant significance. To our knowledge, no occurrence of c.1775G>T in individuals affected with Arrhythmogenic Right Ventricular Dysplasia/Cardiomyopathy and no experimental evidence demonstrating its impact on protein function have been reported. Two clinical diagnostic laboratories have submitted clinical-significance assessments for this variant to ClinVar after 2014 without evidence for independent evaluation. All laboratories classified the variant as uncertain significance. Based on the evidence outlined above, the variant was classified as uncertain significance.